The following is an entry in ClinVar:

ClinVar aggregate classification (germline): Likely benign (0 of 4 stars; one submission).

Conditions:
CTCF-related disorder. Also called: CTCF-related condition. Identifiers: MedGen CN381101.

Allele frequency attached by ClinVar (database versions not stated): gnomAD exomes below 0.00001.
gnomAD v4.1: 1 of 1,563,404 alleles (0.000064%); highest among the groups gnomAD compares: South Asian, 0.0012%; no homozygotes.

Submission:

PreventionGenetics, part of Exact Sciences
Classification: Likely benign for CTCF-related condition. Last evaluated: 2020-05-21. Review status: no assertion criteria provided. Collection method: clinical testing. Allele origin: germline.
Comment: This variant is classified as likely benign based on ACMG/AMP sequence variant interpretation guidelines (Richards et al. 2015 PMID: 25741868, with internal and published modifications).

NM_006565.4(CTCF):c.1401G>A (p.Lys467=)

Gene: CTCF (CCCTC-binding factor; plus strand). Cytogenetic location: 16q22.1.
Variant type: single nucleotide variant.
Coding change: c.1401G>A on transcript NM_006565.4 (MANE Select); coding-DNA position 1401, G replaced by A.
Protein change: p.Lys467=; no amino-acid change (lysine 467 retained).
Molecular consequence: synonymous variant.
Genome position (GRCh38, 1-based): chr16:67,626,598, G>A. VCF-style: chr16-67626598-G-A. GRCh37 (hg19) VCF-style: chr16-67660501-G-A.
Other names: c.417G>A, p.Lys139= (NM_001191022.2); c.1401G>A, p.Lys467= (NM_001363916.2).
Identifiers: ClinVar variation 3036339 (VCV003036339.2), dbSNP rs2142862480, ClinGen allele CA495995951.
Genomic context (GRCh38, chr16:67,626,598, plus strand): 5'-TTTTACTGTGCTTTCAGGTGTCCACTTGCGAAAGCAGCATTCCTATATTGAGCAAGGCAA[G>A]AAATGCCGTTACTGTGATGCTGTGTTTCATGAGCGCTATGCCCTCATCCAGCATCAGAAG-3'
Protein context (NP_006556.1, residues 457-477): RKQHSYIEQG[Lys467=]KCRYCDAVFH